The following is an entry in ClinVar:

ClinVar aggregate classification (germline): Pathogenic (1 of 4 stars; one submission).

Submission:

Labcorp Genetics (formerly Invitae), Labcorp
Classification: Pathogenic. Last evaluated: 2022-11-30. Review status: criteria provided, single submitter. Criteria: Invitae Variant Classification Sherloc (09022015). Collection method: clinical testing. Allele origin: unknown.
Comment: This variant is a gross deletion of the genomic region encompassing exon(s) 8-11 of the CACNA1B gene. This deletion is out-of-frame, and is expected to create a premature termination codon and result in an absent or disrupted protein product. Loss-of-function variants in CACNA1B are known to be pathogenic (PMID: 30982612). This variant has not been reported in the literature in individuals affected with CACNA1B-related conditions. For these reasons, this variant has been classified as Pathogenic.

Literature cited by the submitters: PubMed 30982612.

NC_000009.11:g.(?_140850130)_(140866064_?)del

Gene: CACNA1B (calcium voltage-gated channel subunit alpha1 B; plus strand). Cytogenetic location: 9q34.3.
Variant type: Deletion.
Identifiers: ClinVar variation 3245291 (VCV003245291.1).